The following is an entry in ClinVar:

NM_000426.4(LAMA2):c.6841G>T (p.Val2281Phe)

Gene: LAMA2 (laminin subunit alpha 2; plus strand). Cytogenetic location: 6q22.33.
Variant type: single nucleotide variant.
Coding change: c.6841G>T on transcript NM_000426.4 (MANE Select); coding-DNA position 6841, G replaced by T.
Protein change: p.Val2281Phe; replaces valine 2281 with phenylalanine.
Molecular consequence: missense variant.
Genome position (GRCh38, 1-based): chr6:129,456,468, G>T. VCF-style: chr6-129456468-G-T. GRCh37 (hg19) VCF-style: chr6-129777613-G-T.
Other names: c.6841G>T, p.Val2281Phe (NM_001079823.2); short protein forms V2281F.
Identifiers: ClinVar variation 2125727 (VCV002125727.4), dbSNP rs2114795051, ClinGen allele CA365618364.

ClinVar aggregate classification (germline): Uncertain significance (1 of 4 stars; one submission).

Conditions:
LAMA2-related muscular dystrophy (LAMA2-RD). Also called: Laminin alpha 2-related dystrophy. Identifiers: MedGen C5679788, MONDO:0100228.

Allele frequency attached by ClinVar (database versions not stated): gnomAD exomes below 0.00001.
gnomAD v4.1: 2 of 1,613,532 alleles (0.00012%); highest among the groups gnomAD compares: Non-Finnish European, 0.00017%; no homozygotes.

Submission:

Labcorp Genetics (formerly Invitae), Labcorp
Classification: Uncertain significance for LAMA2-related muscular dystrophy. Last evaluated: 2022-04-12. Review status: criteria provided, single submitter. Criteria: Invitae Variant Classification Sherloc (09022015). Collection method: clinical testing. Allele origin: germline.
Comment: In summary, the available evidence is currently insufficient to determine the role of this variant in disease. Therefore, it has been classified as a Variant of Uncertain Significance. Advanced modeling of protein sequence and biophysical properties (such as structural, functional, and spatial information, amino acid conservation, physicochemical variation, residue mobility, and thermodynamic stability) performed at Invitae indicates that this missense variant is not expected to disrupt LAMA2 protein function. This variant has not been reported in the literature in individuals affected with LAMA2-related conditions. This variant is not present in population databases (gnomAD no frequency). This sequence change replaces valine, which is neutral and non-polar, with phenylalanine, which is neutral and non-polar, at codon 2281 of the LAMA2 protein (p.Val2281Phe).